The following is an entry in ClinVar:

ClinVar aggregate classification (germline): Uncertain significance (0 of 4 stars; one submission).

Conditions:
HUWE1-related disorder. Also called: HUWE1-related condition.

Submission:

PreventionGenetics, part of Exact Sciences
Classification: Uncertain significance for HUWE1-related condition. Last evaluated: 2024-04-12. Review status: no assertion criteria provided. Collection method: clinical testing. Allele origin: germline.
Comment: The HUWE1 c.3644T>C variant is predicted to result in the amino acid substitution p.Val1215Ala. To our knowledge, this variant has not been reported in the literature or in a large population database, indicating this variant is rare. At this time, the clinical significance of this variant is uncertain due to the absence of conclusive functional and genetic evidence.

NM_031407.7(HUWE1):c.3644T>C (p.Val1215Ala)

Genes: HUWE1 (HECT, UBA and WWE domain containing E3 ubiquitin protein ligase 1; minus strand), LOC126863263 (BRD4-independent group 4 enhancer GRCh37_chrX:53619238-53620437; plus strand). Cytogenetic location: Xp11.22.
Variant type: single nucleotide variant.
Coding change: c.3644T>C on transcript NM_031407.7 (MANE Select); coding-DNA position 3644, T replaced by C.
Protein change: p.Val1215Ala; replaces valine 1215 with alanine.
Molecular consequence: missense variant.
Genome position (GRCh38, 1-based): chrX:53,593,461, A>G on the plus strand (T>C on the coding strand, the complement: HUWE1 is on the minus strand). VCF-style: chrX-53593461-A-G. GRCh37 (hg19) VCF-style: chrX-53620421-A-G.
Other names: short protein forms V1215A.
Identifiers: ClinVar variation 3348901 (VCV003348901.1).